The following is an entry in ClinVar:

ClinVar aggregate classification (germline): Uncertain significance (1 of 4 stars; one submission).

Submission:

Ambry Genetics
Classification: Uncertain significance. Last evaluated: 2025-02-08. Review status: criteria provided, single submitter. Criteria: Ambry Variant Classification Scheme 2023. Collection method: clinical testing. Allele origin: germline.
Comment: The p.W1003R variant (also known as c.3007T>C), located in coding exon 1 of the TET2 gene, results from a T to C substitution at nucleotide position 3007. The tryptophan at codon 1003 is replaced by arginine, an amino acid with dissimilar properties. This amino acid position is conserved. In addition, this alteration is predicted to be tolerated by in silico analysis. Based on the available evidence, the clinical significance of this variant remains unclear.

NM_001127208.3(TET2):c.3007T>C (p.Trp1003Arg)

Genes: TET2 (tet methylcytosine dioxygenase 2; plus strand), TET2-AS1 (TET2 antisense RNA 1; minus strand). Cytogenetic location: 4q24.
Variant type: single nucleotide variant.
Coding change: c.3007T>C on transcript NM_001127208.3 (MANE Select); coding-DNA position 3007, T replaced by C.
Protein change: p.Trp1003Arg; replaces tryptophan 1003 with arginine.
Molecular consequence: missense variant.
Genome position (GRCh38, 1-based): chr4:105,236,949, T>C. VCF-style: chr4-105236949-T-C. GRCh37 (hg19) VCF-style: chr4-106158106-T-C.
Other names: c.3007T>C, p.Trp1003Arg (NM_017628.4); short protein forms W1003R.
Identifiers: ClinVar variation 3806039 (VCV003806039.1).